The following is an entry in ClinVar:

ClinVar aggregate classification (germline): Uncertain significance (1 of 4 stars; one submission).

Conditions:
Catecholaminergic polymorphic ventricular tachycardia 1. Also called: RYR2-Related Catecholaminergic Polymorphic Ventricular Tachycardia; VENTRICULAR TACHYCARDIA, STRESS-INDUCED POLYMORPHIC 1; VENTRICULAR TACHYCARDIA, CATECHOLAMINERGIC POLYMORPHIC, 1, WITH OR WITHOUT ATRIAL DYSFUNCTION AND/OR DILATED CARDIOMYOPATHY. Identifiers: Orphanet 3286, MedGen C1631597, MONDO:0011484, OMIM 604772.

Allele frequency attached by ClinVar (database versions not stated): gnomAD exomes below 0.00001.

Submission:

Labcorp Genetics (formerly Invitae), Labcorp
Classification: Uncertain significance for Catecholaminergic polymorphic ventricular tachycardia 1. Last evaluated: 2022-07-17. Review status: criteria provided, single submitter. Criteria: Invitae Variant Classification Sherloc (09022015). Collection method: clinical testing. Allele origin: germline.
Comment: Advanced modeling of protein sequence and biophysical properties (such as structural, functional, and spatial information, amino acid conservation, physicochemical variation, residue mobility, and thermodynamic stability) performed at Invitae indicates that this missense variant is not expected to disrupt RYR2 protein function. This variant has not been reported in the literature in individuals affected with RYR2-related conditions. This variant is not present in population databases (gnomAD no frequency). This sequence change replaces methionine, which is neutral and non-polar, with isoleucine, which is neutral and non-polar, at codon 4406 of the RYR2 protein (p.Met4406Ile). In summary, the available evidence is currently insufficient to determine the role of this variant in disease. Therefore, it has been classified as a Variant of Uncertain Significance.

NM_001035.3(RYR2):c.13218G>A (p.Met4406Ile)

Genes: RYR2 (ryanodine receptor 2; plus strand), LOC126806068 (BRD4-independent group 4 enhancer GRCh37_chr1:237947411-237948610; plus strand). Cytogenetic location: 1q43.
Variant type: single nucleotide variant.
Coding change: c.13218G>A on transcript NM_001035.3 (MANE Select); coding-DNA position 13218, G replaced by A.
Protein change: p.Met4406Ile; replaces methionine 4406 with isoleucine.
Molecular consequence: missense variant.
Genome position (GRCh38, 1-based): chr1:237,784,930, G>A. VCF-style: chr1-237784930-G-A. GRCh37 (hg19) VCF-style: chr1-237948230-G-A.
Other names: short protein forms M4406I.
Identifiers: ClinVar variation 1901093 (VCV001901093.5), dbSNP rs934110023, ClinGen allele CA39828300.